The following is an entry in ClinVar:

ClinVar aggregate classification (germline): Uncertain significance. Review status: criteria provided, multiple submitters, no conflicts (2 of 4 stars). 2 submissions from 2 submitters: Uncertain significance (2). Last evaluated 2025-02-19.

Conditions:
Cardiovascular phenotype. Identifiers: MedGen CN230736.
Arrhythmogenic cardiomyopathy with wooly hair and keratoderma. Also called: Dilated cardiomyopathy with woolly hair and keratoderma; Arrhythmogenic cardiomyopathy with woolly hair and keratoderma; PALMOPLANTAR KERATODERMA WITH LEFT VENTRICULAR CARDIOMYOPATHY AND WOOLLY HAIR; Carvajal syndrome. Identifiers: Orphanet 65282, MedGen C1854063, MONDO:0011581, OMIM 605676.
Arrhythmogenic right ventricular dysplasia 8 (ARVD8). Also called: Arrhythmogenic Right Ventricular Dysplasia/Cardiomyopathy 8; ARRHYTHMOGENIC RIGHT VENTRICULAR DYSPLASIA, FAMILIAL, 8; ARRHYTHMOGENIC RIGHT VENTRICULAR CARDIOMYOPATHY 8. Identifiers: MedGen C1843896, MONDO:0011831, OMIM 607450.

Submissions (2):

Labcorp Genetics (formerly Invitae), Labcorp
Classification: Uncertain significance for Arrhythmogenic cardiomyopathy with wooly hair and keratoderma; Arrhythmogenic right ventricular dysplasia 8. Last evaluated: 2025-02-19. Review status: criteria provided, single submitter. Criteria: Invitae Variant Classification Sherloc (09022015). Collection method: clinical testing. Allele origin: germline.
Comment: This sequence change replaces serine, which is neutral and polar, with glycine, which is neutral and non-polar, at codon 2769 of the DSP protein (p.Ser2769Gly). This variant is not present in population databases (gnomAD no frequency). This variant has not been reported in the literature in individuals affected with DSP-related conditions. ClinVar contains an entry for this variant (Variation ID: 1762851). An algorithm developed to predict the effect of missense changes on protein structure and function (PolyPhen-2) suggests that this variant is likely to be tolerated. In summary, the available evidence is currently insufficient to determine the role of this variant in disease. Therefore, it has been classified as a Variant of Uncertain Significance.

Ambry Genetics
Classification: Uncertain significance for Cardiovascular phenotype. Last evaluated: 2022-12-27. Review status: criteria provided, single submitter. Criteria: Ambry Variant Classification Scheme 2023. Collection method: clinical testing. Allele origin: germline.
Comment: The p.S2769G variant (also known as c.8305A>G), located in coding exon 24 of the DSP gene, results from an A to G substitution at nucleotide position 8305. The serine at codon 2769 is replaced by glycine, an amino acid with similar properties. This amino acid position is not well conserved in available vertebrate species. In addition, this alteration is predicted to be tolerated by in silico analysis. Since supporting evidence is limited at this time, the clinical significance of this alteration remains unclear.

NM_004415.4(DSP):c.8305A>G (p.Ser2769Gly)

Gene: DSP (desmoplakin; plus strand). Cytogenetic location: 6p24.3.
Variant type: single nucleotide variant.
Coding change: c.8305A>G on transcript NM_004415.4 (MANE Select); coding-DNA position 8305, A replaced by G.
Protein change: p.Ser2769Gly; replaces serine 2769 with glycine.
Molecular consequence: missense variant.
Genome position (GRCh38, 1-based): chr6:7,585,567, A>G. VCF-style: chr6-7585567-A-G. GRCh37 (hg19) VCF-style: chr6-7585800-A-G.
Other names: c.6508A>G, p.Ser2170Gly (NM_001008844.3); c.6976A>G, p.Ser2326Gly (NM_001319034.2); short protein forms S2769G, S2170G, S2326G.
Identifiers: ClinVar variation 1762851 (VCV001762851.4), dbSNP rs2533950972, ClinGen allele CA362694876.